The following is an entry in ClinVar:

ClinVar aggregate classification (germline): Likely pathogenic. Review status: reviewed by expert panel (3 of 4 stars). 6 submissions from 6 submitters: Likely pathogenic (1). 5 of the submissions do not count toward it. Last evaluated 2025-05-23.

Conditions:
Hereditary breast ovarian cancer syndrome. Also called: Breast and ovarian cancer; Hereditary breast and/or ovarian cancer syndrome; BRCA1- and BRCA2-Associated Hereditary Breast and Ovarian Cancer; Hereditary breast and ovarian cancer syndrome; Hereditary breast and ovarian cancer syndrome (HBOC); Hereditary breast and ovarian cancer. Identifiers: Orphanet 145, MedGen C0677776, MeSH D061325, MONDO:0003582. Disease mechanism: loss of function.
Breast-ovarian cancer, familial, susceptibility to, 1 (BROVCA1). Also called: BRCA1 Hereditary Breast and Ovarian Cancer; OVARIAN CANCER, SUSCEPTIBILITY TO. Identifiers: Orphanet 145, MedGen C2676676, MONDO:0011450, OMIM 604370. Disease mechanism: loss of function.
BRCA1-related cancer predisposition. Identifiers: MedGen CN377757, MONDO:0700268.
Hereditary cancer-predisposing syndrome. Also called: Tumor predisposition; Hereditary Cancer Syndrome; Hereditary neoplastic syndrome; Neoplastic Syndromes, Hereditary. Identifiers: Orphanet 140162, MedGen C0027672, MeSH D009386, MONDO:0015356.

Allele frequency attached by ClinVar (database versions not stated): gnomAD exomes below 0.00001.

Submissions (7):

ClinGen ENIGMA BRCA1 and BRCA2 Variant Curation Expert Panel, ClinGen
Classification: Likely pathogenic for BRCA1-related cancer predisposition. Last evaluated: 2025-05-23. Review status: reviewed by expert panel. Criteria: CSpec BRCA1/2ACMG Rules Specifications V1.2. Collection method: curation. Allele origin: germline. Inheritance: Autosomal dominant inheritance.
Comment: The c.134+3A>T variant is an intronic variant occurring in intron 3 of the BRCA1 gene. This variant is absent from gnomAD v2.1 (exomes only, non-cancer subset, read depth ≥25) and gnomAD v3.1 (non-cancer subset, read depth ≥25) (PM2_Supporting met). This BRCA1 intronic variant is located outside of the native donor and acceptor 1,2 splice sites, and has a SpliceAI score of 0.83, predicting an impact on splicing (score threshold >0.20) (PP3 met). Intronic variant, functional data considered only from assays that measure effect via mRNA and protein. Reported by one calibrated study incorporating mRNA splicing effects to exhibit protein function similar to pathogenic control variants (PMID:30209399) (PS3 met). This variant is reported to result in aberrant mRNA splicing. RT-PCR and agarose gel electrophoresis demonstrated that the variant impacts splicing by exon 3 skipping (PMID: 32123317). The percent full-length and aberrant transcripts produced from the variant allele was not stated (PVS1 (RNA) and BP7_Strong (RNA) not met). In summary, this variant meets the criteria to be classified as a Likely pathogenic variant for BRCA1-related cancer predisposition based on the ACMG/AMP criteria applied as specified by the ENIGMA BRCA1/2 VCEP (PM2_Supporting, PP3, PS3).

Labcorp Genetics (formerly Invitae), Labcorp
Classification: Pathogenic for Hereditary breast ovarian cancer syndrome. Last evaluated: 2025-12-10. Review status: criteria provided, single submitter. Criteria: Invitae Variant Classification Sherloc (09022015). Collection method: clinical testing. Allele origin: germline. Not counted in ClinVar's aggregate classification.
Comment: This sequence change falls in intron 3 of the BRCA1 gene. It does not directly change the encoded amino acid sequence of the BRCA1 protein. RNA analysis indicates that this variant induces altered splicing and may result in an absent or altered protein product. This variant is not present in population databases (gnomAD no frequency). This variant has not been reported in the literature in individuals affected with BRCA1-related conditions. ClinVar contains an entry for this variant (Variation ID: 531302). Algorithms developed to predict the effect of variants on gene product structure and function are not available or were not evaluated for this variant. Experimental studies have shown that this variant affects BRCA1 function (PMID: 30209399). Variants that disrupt the consensus splice site are a relatively common cause of aberrant splicing (PMID: 17576681, 9536098). Studies have shown that this variant results in skipping of exon 3, and produces a non-functional protein and/or introduces a premature termination codon (PMID: 32123317; internal data). This variant disrupts the c.134+3A nucleotide in the BRCA1 gene. Other variant(s) that disrupt this nucleotide have been determined to be pathogenic (PMID: 12402332, 12759930). This suggests that this nucleotide is clinically significant, and that variants that disrupt this position are likely to be disease-causing. For these reasons, this variant has been classified as Pathogenic.

Molecular Pathology, Peter Maccallum Cancer Centre
Classification: Likely pathogenic for Breast-ovarian cancer, familial, susceptibility to, 1. Last evaluated: 2025-02-10. Review status: criteria provided, single submitter. Criteria: ACMG Guidelines, 2015. Collection method: clinical testing. Allele origin: germline. Inheritance: Autosomal dominant inheritance. Not counted in ClinVar's aggregate classification.

Ambry Genetics
Classification: Pathogenic for Hereditary cancer-predisposing syndrome. Last evaluated: 2025-01-15. Review status: criteria provided, single submitter. Criteria: Ambry Variant Classification Scheme 2023. Collection method: clinical testing. Allele origin: germline. Not counted in ClinVar's aggregate classification.
Comment: The c.134+3A>T intronic pathogenic mutation results from an A to T substitution 3 nucleotides after coding exon 2 in the BRCA1 gene. This nucleotide position is highly conserved in available vertebrate species. In silico splice site analysis predicts that this alteration will weaken the native splice donor site. This alteration results in skipping of coding exon 2 (also known as exon 3 in the literature) resulting in a transcript with a premature termination codon (Ambry internal data; Wai HA et al. Genet Med, 2020 06;22:1005-1014). One functional study found that this nucleotide substitution is non-functional in a high-throughput, genome editing, haploid cell survival assay (Findlay GM et al. Nature, 2018 10;562:217-222). In addition, several variants at the same donor site, including BRCA1 c.134+5G>A and BRCA1 c.134+5G>T, cause the same splice defect (Ambry internal data; Baert A et al. Hum. Mutat., 2018 04;39:515-526). This variant is considered to be rare based on population cohorts in the Genome Aggregation Database (gnomAD). Based on the supporting evidence, this alteration is interpreted as a disease-causing mutation.

Quest Diagnostics Nichols Institute San Juan Capistrano
Classification: Likely pathogenic. Last evaluated: 2024-05-08. Review status: criteria provided, single submitter. Criteria: Quest Diagnostics criteria. Collection method: clinical testing. Allele origin: unknown. Not counted in ClinVar's aggregate classification.
Comment: The BRCA1 c.134+3A>T variant has been reported in an RNA study to cause skipping of exon 3 and the creation of a premature termination codon in the affected transcript (PMID: 32123317 (2020)). A saturation genome editing assay measuring DNA repair-dependent cell survival classified this variant as non-functional (PMID: 30209399 (2018)). To the best of our knowledge, this variant has not been reported in individuals with BRCA1-related conditions in the published literature. However, a different variant at the same nucleotide, BRCA1 c.134+3A>C (also known as IVS3+3A>C), has been observed in a hereditary breast/ovarian cancer family and shown to cause aberrant splicing as well (PMID: 12759930 (2003)). The BRCA1 c.134+3A>T variant has not been reported in large, multi-ethnic general populations (Genome Aggregation Database). Based on the available information, this variant is classified as likely pathogenic.

Baylor Genetics
Classification: Likely pathogenic for Breast-ovarian cancer, familial, susceptibility to, 1. Last evaluated: 2022-08-03. Review status: criteria provided, single submitter. Criteria: ACMG Guidelines, 2015. Collection method: clinical testing. Allele origin: unknown. Not counted in ClinVar's aggregate classification.

Brotman Baty Institute, University of Washington
No classification provided (evidence only). Condition: Breast-ovarian cancer, familial 1. Review status: no classification provided. Collection method: in vitro. Allele origin: not applicable. Functional consequence: functionally_abnormal. Not counted in ClinVar's aggregate classification.
ClinVar note: "not provided" was previously submitted as the classification for the variant. However, the classification appeared to be based only on an observation of functional data so it was converted to no classification on 2025-07-30.

Literature cited by the submitters: PubMed 30209399 (cited by 3 submitters); PubMed 17576681 (cited by Labcorp Genetics (formerly Invitae), Labcorp); PubMed 9536098 (cited by Labcorp Genetics (formerly Invitae), Labcorp); PubMed 32123317 (cited by 3 submitters); PubMed 12402332 (cited by Labcorp Genetics (formerly Invitae), Labcorp); PubMed 12759930 (cited by Labcorp Genetics (formerly Invitae), Labcorp); PubMed 23451180 (cited by Ambry Genetics); PubMed 24667779 (cited by Ambry Genetics); PubMed 29280214 (cited by Ambry Genetics).

NM_007294.4(BRCA1):c.134+3A>T

Gene: BRCA1 (BRCA1 DNA repair associated; minus strand). Cytogenetic location: 17q21.31.
Variant type: single nucleotide variant.
Coding change: c.134+3A>T on transcript NM_007294.4 (MANE Select); 3 bases into the intron after coding-DNA position 134, A replaced by T.
Molecular consequence: intron variant.
Genome position (GRCh38, 1-based): chr17:43,115,723, T>A on the plus strand (A>T on the coding strand, the complement: BRCA1 is on the minus strand). VCF-style: chr17-43115723-T-A. GRCh37 (hg19) VCF-style: chr17-41267740-T-A.
Other names: c.-8+3A>T (NM_001408458.1, NM_001408470.1, NM_001407848.1 and 47 more transcripts); c.-219+9554A>T (NM_001407967.1); c.-170+9554A>T (NM_001407959.1); c.-7-9190A>T (NM_001407931.1, NM_001407747.1, NM_001408511.1 and 2 more transcripts); c.-170+3A>T (NM_001407962.1, NM_001408512.1, NM_001408510.1 and 1 more transcripts); c.-55+3A>T (NM_001407885.1, NM_001407886.1, NM_001408509.1 and 52 more transcripts); c.-124+3A>T (NM_001407746.1, NM_001408468.1, NM_001407842.1 and 13 more transcripts); c.-8+8294A>T (NM_001408461.1, NM_001407738.1, NM_001407932.1 and 23 more transcripts); and 10 more.
Identifiers: ClinVar variation 531302 (VCV000531302.22), dbSNP rs80358064, ClinGen allele CA658798847.
Genomic context (GRCh38, chr17:43,115,723, plus strand): 5'-CCTGGGTTATGAAGGACAAAAACAAAAGCTAATAATGGAGCCACATAACACATTCAAACT[T>A]ACTTGCAAAATATGTGGTCACACTTTGTGGAGACAGGTTCCTTGATCAACTCCAGACTAG-3'